The following is an entry in ClinVar:

ClinVar aggregate classification (germline): Uncertain significance (1 of 4 stars; one submission).

Allele frequency attached by ClinVar (database versions not stated): gnomAD exomes 0.00001; ExAC 0.00002; gnomAD 0.00003; TOPMed 0.00003; ESP Exome Variant Server 0.00008.

Submission:

Labcorp Genetics (formerly Invitae), Labcorp
Classification: Uncertain significance. Last evaluated: 2024-11-11. Review status: criteria provided, single submitter. Criteria: Invitae Variant Classification Sherloc (09022015). Collection method: clinical testing. Allele origin: germline.
Comment: This sequence change replaces proline, which is neutral and non-polar, with serine, which is neutral and polar, at codon 237 of the ROM1 protein (p.Pro237Ser). This variant is present in population databases (rs145223796, gnomAD 0.002%). This variant has not been reported in the literature in individuals affected with ROM1-related conditions. ClinVar contains an entry for this variant (Variation ID: 1917561). Invitae Evidence Modeling of protein sequence and biophysical properties (such as structural, functional, and spatial information, amino acid conservation, physicochemical variation, residue mobility, and thermodynamic stability) indicates that this missense variant is not expected to disrupt ROM1 protein function with a negative predictive value of 80%. In summary, the available evidence is currently insufficient to determine the role of this variant in disease. Therefore, it has been classified as a Variant of Uncertain Significance.

NM_000327.4(ROM1):c.709C>T (p.Pro237Ser)

Gene: ROM1 (retinal outer segment membrane protein 1; plus strand). Cytogenetic location: 11q12.3.
Variant type: single nucleotide variant.
Coding change: c.709C>T on transcript NM_000327.4 (MANE Select); coding-DNA position 709, C replaced by T.
Protein change: p.Pro237Ser; replaces proline 237 with serine.
Molecular consequence: missense variant.
Genome position (GRCh38, 1-based): chr11:62,614,376, C>T. VCF-style: chr11-62614376-C-T. GRCh37 (hg19) VCF-style: chr11-62381848-C-T.
Other names: short protein forms P237S.
Identifiers: ClinVar variation 1917561 (VCV001917561.5), dbSNP rs145223796, ClinGen allele CA6049815.